The following is an entry in ClinVar:

NM_001130987.2(DYSF):c.1077T>A (p.Asp359Glu)

Gene: DYSF (dysferlin; plus strand). Cytogenetic location: 2p13.2.
Variant type: single nucleotide variant.
Coding change: c.1077T>A on transcript NM_001130987.2 (MANE Select); coding-DNA position 1077, T replaced by A.
Protein change: p.Asp359Glu; replaces aspartic acid 359 with glutamic acid.
Molecular consequence: missense variant.
Genome position (GRCh38, 1-based): chr2:71,520,832, T>A. VCF-style: chr2-71520832-T-A. GRCh37 (hg19) VCF-style: chr2-71747962-T-A.
Other names: c.984T>A, p.Asp328Glu (NM_001130455.2, NM_001130983.2, NM_001130984.2 and 1 more transcripts); c.981T>A, p.Asp327Glu (NM_001130976.2, NM_001130977.2, NM_001130978.2 and 1 more transcripts); c.1074T>A, p.Asp358Glu (NM_001130979.2, NM_001130980.2, NM_001130981.2); c.1077T>A, p.Asp359Glu (NM_001130982.2, NM_001130985.2); short protein forms D327E, D358E, D328E, D359E.
Identifiers: ClinVar variation 1485074 (VCV001485074.6), dbSNP rs761584106, ClinGen allele CA347212041.

ClinVar aggregate classification (germline): Uncertain significance (1 of 4 stars; one submission).

Conditions:
Neuromuscular disease caused by qualitative or quantitative defects of dysferlin. Also called: Dysferlinopathy; Qualitative or quantitative defects of dysferlin. Identifiers: Orphanet 207073, MedGen C2931687, MONDO:0016145.

gnomAD v4.1: 2 of 1,614,144 alleles (0.00012%); highest among the groups gnomAD compares: African/African-American, 0.0027%; no homozygotes.

Submission:

Labcorp Genetics (formerly Invitae), Labcorp
Classification: Uncertain significance for Neuromuscular disease caused by qualitative or quantitative defects of dysferlin. Last evaluated: 2022-12-06. Review status: criteria provided, single submitter. Criteria: Invitae Variant Classification Sherloc (09022015). Collection method: clinical testing. Allele origin: germline.
Comment: In summary, the available evidence is currently insufficient to determine the role of this variant in disease. Therefore, it has been classified as a Variant of Uncertain Significance. Advanced modeling of protein sequence and biophysical properties (such as structural, functional, and spatial information, amino acid conservation, physicochemical variation, residue mobility, and thermodynamic stability) performed at Invitae indicates that this missense variant is not expected to disrupt DYSF protein function. ClinVar contains an entry for this variant (Variation ID: 1485074). This variant has not been reported in the literature in individuals affected with DYSF-related conditions. This variant is not present in population databases (gnomAD no frequency). This sequence change replaces aspartic acid, which is acidic and polar, with glutamic acid, which is acidic and polar, at codon 327 of the DYSF protein (p.Asp327Glu).